The following is an entry in ClinVar:

NM_001365276.2(TNXB):c.7221G>T (p.Glu2407Asp)

Gene: TNXB (tenascin XB; minus strand). Cytogenetic location: 6p21.33.
Variant type: single nucleotide variant.
Coding change: c.7221G>T on transcript NM_001365276.2 (MANE Select); coding-DNA position 7221, G replaced by T.
Protein change: p.Glu2407Asp; replaces glutamic acid 2407 with aspartic acid.
Molecular consequence: missense variant.
Genome position (GRCh38, 1-based): chr6:32,061,668, C>A on the plus strand (G>T on the coding strand, the complement: TNXB is on the minus strand). VCF-style: chr6-32061668-C-A. GRCh37 (hg19) VCF-style: chr6-32029445-C-A.
Other names: c.7962G>T, p.Glu2654Asp (NM_001428335.1); c.7221G>T, p.Glu2407Asp (NM_019105.8); short protein forms E2407D, E2654D.
Identifiers: ClinVar variation 3368058 (VCV003368058.1).

ClinVar aggregate classification (germline): Uncertain significance (1 of 4 stars; one submission).

gnomAD v4.1: 3 of 1,612,650 alleles (0.00019%); highest among the groups gnomAD compares: Non-Finnish European, 0.00025%; no homozygotes.

Submission:

GeneDx
Classification: Uncertain significance. Last evaluated: 2024-01-19. Review status: criteria provided, single submitter. Criteria: GeneDx Variant Classification Process June 2021. Collection method: clinical testing. Allele origin: germline. Affected: yes.
Comment: Not observed at significant frequency in large population cohorts (gnomAD); In silico analysis supports that this missense variant does not alter protein structure/function; Has not been previously published as pathogenic or benign to our knowledge